The following is an entry in ClinVar:

NM_000322.5(PRPH2):c.611_626del (p.Tyr204fs)

Gene: PRPH2 (peripherin 2; minus strand). Cytogenetic location: 6p21.1.
Variant type: Deletion.
Coding change: c.611_626del on transcript NM_000322.5 (MANE Select); coding-DNA positions 611 to 626, 16 bases deleted (ACCTGGTGGACGGCGT).
Protein change: p.Tyr204fs; shifts the reading frame from tyrosine 204.
Molecular consequence: frameshift variant.
Genome position (GRCh38, 1-based): chr6:42,704,567-42,704,582, ACGCCGTCCACCAGGT deleted on the plus strand (ACCTGGTGGACGGCGT on the coding strand, the reverse complement: PRPH2 is on the minus strand); deleting any 16 consecutive bases within chr6:42,704,567-42,704,584 gives the same sequence; the c. name uses the placement nearest the transcript's 3' end. VCF-style (leftmost placement, unchanged base first): chr6-42704566-GACGCCGTCCACCAGGT-G. GRCh37 (hg19) VCF-style: chr6-42672304-GACGCCGTCCACCAGGT-G.
Other names: short protein forms Y204fs.
Identifiers: ClinVar variation 1048171 (VCV001048171.6), dbSNP rs1800116472, ClinGen allele CA1624170511.

ClinVar aggregate classification (germline): Pathogenic/Likely pathogenic. Review status: criteria provided, multiple submitters, no conflicts (2 of 4 stars). 3 submissions from 3 submitters: Pathogenic (2); Likely pathogenic (1). Last evaluated 2025-07-24.

Conditions:
Patterned macular dystrophy 1. Also called: MACULAR DYSTROPHY, BUTTERFLY-SHAPED PIGMENTARY; BUTTERFLY DYSTROPHY OF RETINAL PIGMENT EPITHELIUM. Identifiers: Orphanet 99001, MedGen C4551999, MONDO:0008210, OMIM 169150.
PRPH2-related disorder. Also called: PRPH2-related disorders; PRPH2-related condition. Identifiers: MedGen CN239395.

Submissions (3):

3billion
Classification: Pathogenic for PRPH2-related disorder. Last evaluated: 2025-07-24. Review status: criteria provided, single submitter. Criteria: ACMG Guidelines, 2015. Collection method: clinical testing. Allele origin: germline. Affected: yes.
Comment: The variant is not observed in the gnomAD v4.1.0 dataset. Predicted Consequence/Location: Frameshift: predicted to result in a loss or disruption of normal protein function through nonsense-mediated decay (NMD) or protein truncation. Multiple pathogenic variants are reported downstream of the variant. The variant has been reported at least twice as pathogenic without evidence for the classification (ClinVar ID: VCV001048171). Therefore, this variant is classified as Pathogenic according to the recommendation of ACMG/AMP guideline.

Labcorp Genetics (formerly Invitae), Labcorp
Classification: Pathogenic for PRPH2-related disorder. Last evaluated: 2022-07-22. Review status: criteria provided, single submitter. Criteria: Invitae Variant Classification Sherloc (09022015). Collection method: clinical testing. Allele origin: germline.
Comment: For these reasons, this variant has been classified as Pathogenic. ClinVar contains an entry for this variant (Variation ID: 1048171). This premature translational stop signal has been observed in individual(s) with Stargardt disease (PMID: 33546218). This variant is not present in population databases (gnomAD no frequency). This sequence change creates a premature translational stop signal (p.Tyr204Serfs*47) in the PRPH2 gene. It is expected to result in an absent or disrupted protein product. Loss-of-function variants in PRPH2 are known to be pathogenic (PMID: 8111389, 8485575, 8485576, 8675410, 16916875, 17504850, 25675413, 26061163, 27365499, 29555955).

Institute of Medical Molecular Genetics, University of Zurich
Classification: Likely pathogenic for Patterned macular dystrophy 1. Last evaluated: 2021-01-30. Review status: criteria provided, single submitter. Criteria: ACMG Guidelines, 2015. Collection method: clinical testing. Allele origin: unknown. Affected: yes.

Literature cited by the submitters: PubMed 33546218 (cited by Labcorp Genetics (formerly Invitae), Labcorp); PubMed 8111389 (cited by Labcorp Genetics (formerly Invitae), Labcorp); PubMed 8485575 (cited by Labcorp Genetics (formerly Invitae), Labcorp); PubMed 8485576 (cited by Labcorp Genetics (formerly Invitae), Labcorp); PubMed 8675410 (cited by Labcorp Genetics (formerly Invitae), Labcorp); PubMed 16916875 (cited by Labcorp Genetics (formerly Invitae), Labcorp); PubMed 17504850 (cited by Labcorp Genetics (formerly Invitae), Labcorp); PubMed 25675413 (cited by Labcorp Genetics (formerly Invitae), Labcorp); PubMed 26061163 (cited by Labcorp Genetics (formerly Invitae), Labcorp); PubMed 27365499 (cited by Labcorp Genetics (formerly Invitae), Labcorp); PubMed 29555955 (cited by Labcorp Genetics (formerly Invitae), Labcorp).